The following is an entry in ClinVar:

ClinVar aggregate classification (germline): Uncertain significance (1 of 4 stars; one submission).

Allele frequency attached by ClinVar (database versions not stated): TOPMed 0.00002.
gnomAD v4.1: 85 of 1,557,606 alleles (0.0055%); highest among the groups gnomAD compares: Non-Finnish European, 0.0071%; no homozygotes.

Submission:

Labcorp Genetics (formerly Invitae), Labcorp
Classification: Uncertain significance. Last evaluated: 2024-01-01. Review status: criteria provided, single submitter. Criteria: Invitae Variant Classification Sherloc (09022015). Collection method: clinical testing. Allele origin: germline.
Comment: This sequence change affects codon 509 of the CRAT mRNA. It is a 'silent' change, meaning that it does not change the encoded amino acid sequence of the CRAT protein. This variant also falls at the last nucleotide of exon 12, which is part of the consensus splice site for this exon. This variant is present in population databases (rs775021243, gnomAD 0.01%). This variant has not been reported in the literature in individuals affected with CRAT-related conditions. Variants that disrupt the consensus splice site are a relatively common cause of aberrant splicing (PMID: 17576681, 9536098). Algorithms developed to predict the effect of sequence changes on RNA splicing suggest that this variant is not likely to affect RNA splicing. In summary, the available evidence is currently insufficient to determine the role of this variant in disease. Therefore, it has been classified as a Variant of Uncertain Significance.

Literature cited by the submitters: PubMed 17576681; PubMed 9536098.

NM_000755.5(CRAT):c.1527G>C (p.Arg509=)

Gene: CRAT (carnitine O-acetyltransferase; minus strand). Cytogenetic location: 9q34.11.
Variant type: single nucleotide variant.
Coding change: c.1527G>C on transcript NM_000755.5 (MANE Select); coding-DNA position 1527, G replaced by C.
Protein change: p.Arg509=; no amino-acid change (arginine 509 retained).
Molecular consequence: synonymous variant.
Genome position (GRCh38, 1-based): chr9:129,097,250, C>G on the plus strand (G>C on the coding strand, the complement: CRAT is on the minus strand). VCF-style: chr9-129097250-C-G. GRCh37 (hg19) VCF-style: chr9-131859529-C-G.
Other names: c.1464G>C, p.Arg488= (NM_001257363.3, NM_001346548.2, NM_004003.4); c.1530G>C, p.Arg510= (NM_001346546.2); c.1527G>C, p.Arg509= (NM_001346547.2); c.1407G>C, p.Arg469= (NM_001346549.2).
Identifiers: ClinVar variation 2713176 (VCV002713176.3), dbSNP rs775021243, ClinGen allele CA200476011.